The following is an entry in ClinVar:

ClinVar aggregate classification (germline): Pathogenic (1 of 4 stars; one submission).

Conditions:
Hereditary pancreatitis (PCTT). Also called: Hereditary chronic pancreatitis; PRSS1-Related Hereditary Pancreatitis. Identifiers: Orphanet 676, MedGen C0238339, MONDO:0008185, OMIM 167800.

gnomAD v4.1: 1 of 1,614,140 alleles (0.000062%); no homozygotes.

Submission:

Ambry Genetics
Classification: Pathogenic for Hereditary pancreatitis. Last evaluated: 2020-11-20. Review status: criteria provided, single submitter. Criteria: Ambry Variant Classification Scheme 2023. Collection method: clinical testing. Allele origin: germline.
Comment: The p.K126* pathogenic mutation (also known as c.376A>T), located in coding exon 5 of the CTRC gene, results from an A to T substitution at nucleotide position 376. This changes the amino acid from a lysine to a stop codon within coding exon 5. This alteration is expected to result in loss of function by premature protein truncation or nonsense-mediated mRNA decay. As such, this alteration is interpreted as a disease-causing mutation.

NM_007272.3(CTRC):c.376A>T (p.Lys126Ter)

Gene: CTRC (chymotrypsin C; plus strand). Cytogenetic location: 1p36.21.
Variant type: single nucleotide variant.
Coding change: c.376A>T on transcript NM_007272.3 (MANE Select); coding-DNA position 376, A replaced by T.
Protein change: p.Lys126Ter; replaces lysine 126 with a stop codon.
Molecular consequence: nonsense.
Genome position (GRCh38, 1-based): chr1:15,443,438, A>T. VCF-style: chr1-15443438-A-T. GRCh37 (hg19) VCF-style: chr1-15769933-A-T.
Other names: short protein forms K126*.
Identifiers: ClinVar variation 1734740 (VCV001734740.2), dbSNP rs1168572368, ClinGen allele CA338565945.